The following is an entry in ClinVar:

ClinVar aggregate classification (germline): Uncertain significance (1 of 4 stars; one submission).

Conditions:
Leukocyte adhesion deficiency type II. Also called: CDG IIc; CONGENITAL DISORDER OF GLYCOSYLATION, TYPE IIc; Congenital disorder of glycosylation type 2C; CDG 2C; Leukocyte adhesion deficiency type 2; Rambam Hasharon syndrome. Identifiers: Orphanet 2968, Orphanet 99843, MedGen C0398739, MONDO:0009953, OMIM 266265.

Allele frequency attached by ClinVar (database versions not stated): TOPMed below 0.00001; gnomAD 0.00001.
gnomAD v4.1: 3 of 1,612,924 alleles (0.00019%); highest among the groups gnomAD compares: Admixed American, 0.005%; no homozygotes.

Submission:

Labcorp Genetics (formerly Invitae), Labcorp
Classification: Uncertain significance for Leukocyte adhesion deficiency type II. Last evaluated: 2023-01-06. Review status: criteria provided, single submitter. Criteria: Invitae Variant Classification Sherloc (09022015). Collection method: clinical testing. Allele origin: germline.
Comment: In summary, the available evidence is currently insufficient to determine the role of this variant in disease. Therefore, it has been classified as a Variant of Uncertain Significance. Advanced modeling of protein sequence and biophysical properties (such as structural, functional, and spatial information, amino acid conservation, physicochemical variation, residue mobility, and thermodynamic stability) performed at Invitae indicates that this missense variant is not expected to disrupt SLC35C1 protein function. This variant has not been reported in the literature in individuals affected with SLC35C1-related conditions. This variant is present in population databases (no rsID available, gnomAD 0.006%). This sequence change replaces alanine, which is neutral and non-polar, with valine, which is neutral and non-polar, at codon 264 of the SLC35C1 protein (p.Ala264Val).

NM_018389.5(SLC35C1):c.791C>T (p.Ala264Val)

Gene: SLC35C1 (solute carrier family 35 member C1; plus strand). Cytogenetic location: 11p11.2.
Variant type: single nucleotide variant.
Coding change: c.791C>T on transcript NM_018389.5 (MANE Select); coding-DNA position 791, C replaced by T.
Protein change: p.Ala264Val; replaces alanine 264 with valine.
Molecular consequence: missense variant.
Genome position (GRCh38, 1-based): chr11:45,811,031, C>T. VCF-style: chr11-45811031-C-T. GRCh37 (hg19) VCF-style: chr11-45832582-C-T.
Other names: c.752C>T, p.Ala251Val (NM_001145265.2, NM_001145266.2, NM_001425156.1); c.791C>T, p.Ala264Val (NM_001425155.1); short protein forms A264V, A251V.
Identifiers: ClinVar variation 2918024 (VCV002918024.1), dbSNP rs777323597, ClinGen allele CA380206115.